The following is an entry in ClinVar:

ClinVar aggregate classification (germline): Likely benign. Review status: criteria provided, multiple submitters, no conflicts (2 of 4 stars). 2 submissions from 2 submitters: Likely benign (2). Last evaluated 2018-06-19.

Allele frequency attached by ClinVar (database versions not stated): gnomAD exomes 0.00080 and 0.00308; ExAC 0.02704; gnomAD 0.03688 and 0.03836; ESP Exome Variant Server 0.16185; 1000 Genomes Project 0.19229.
gnomAD v4.1: 7,047 of 1,071,162 alleles (0.66%); highest among the groups gnomAD compares: African/African-American, 3.7%; 1,147 homozygotes.

Submissions (2):

GeneDx
Classification: Likely benign. Last evaluated: 2018-06-19. Review status: criteria provided, single submitter. Criteria: GeneDx Variant Classification (06012015). Collection method: clinical testing. Allele origin: germline. Affected: yes.
Comment: This variant is considered likely benign or benign based on one or more of the following criteria: it is a conservative change, it occurs at a poorly conserved position in the protein, it is predicted to be benign by multiple in silico algorithms, and/or has population frequency not consistent with disease.

Breakthrough Genomics
Classification: Likely benign. Review status: criteria provided, single submitter. Criteria: ACMG Guidelines, 2015. Collection method: not provided. Allele origin: germline. Inheritance: Autosomal recessive inheritance. Affected: yes.

NM_173660.5(DOK7):c.332-24C>A

Gene: DOK7 (docking protein 7; plus strand). Cytogenetic location: 4p16.3.
Variant type: single nucleotide variant.
Coding change: c.332-24C>A on transcript NM_173660.5 (MANE Select); 24 bases into the intron before coding-DNA position 332, C replaced by A.
Molecular consequence: intron variant.
Genome position (GRCh38, 1-based): chr4:3,476,318, C>A. VCF-style: chr4-3476318-C-A. GRCh37 (hg19) VCF-style: chr4-3478045-C-A.
Other names: c.332-24C>A (NM_001301071.2, NM_001164673.2); c.101-9221C>A (NM_001363811.2).
Identifiers: ClinVar variation 672449 (VCV000672449.2), dbSNP rs112637134, ClinGen allele CA2828972.